The following is an entry in ClinVar:

NM_052876.4(NACC1):c.1318G>T (p.Val440Phe)

Gene: NACC1 (nucleus accumbens associated 1; plus strand). Cytogenetic location: 19p13.13.
Variant type: single nucleotide variant.
Coding change: c.1318G>T on transcript NM_052876.4 (MANE Select); coding-DNA position 1318, G replaced by T.
Protein change: p.Val440Phe; replaces valine 440 with phenylalanine.
Molecular consequence: missense variant.
Genome position (GRCh38, 1-based): chr19:13,137,569, G>T. VCF-style: chr19-13137569-G-T. GRCh37 (hg19) VCF-style: chr19-13248383-G-T.
Other names: short protein forms V440F.
Identifiers: ClinVar variation 4530767 (VCV004530767.1).
Genomic context (GRCh38, chr19:13,137,569, plus strand): 5'-ATCCGCTCTTCTACCAACGATCCCCGTCGGAAGCCCCTGGACAGCCGCGTGCTCCACGCT[G>T]TCAAGTGTGAGTGTTGGCCCAGCTGGACGAGGCGTGGGCCCGGGGCACGCAGGTTGACGT-3'
Protein context (NP_443108.1, residues 430-450): KPLDSRVLHA[Val440Phe]KYYCQNFAPN

ClinVar aggregate classification (germline): Uncertain significance (1 of 4 stars; one submission).

Submission:

GeneDx
Classification: Uncertain significance. Last evaluated: 2025-05-23. Review status: criteria provided, single submitter. Criteria: GeneDx Variant Classification Process June 2021. Collection method: clinical testing. Allele origin: germline. Affected: yes.
Comment: Not observed at significant frequency in large population cohorts (gnomAD); In silico analysis supports that this missense variant has a deleterious effect on protein structure/function; Has not been previously published as pathogenic or benign to our knowledge